The following is an entry in ClinVar:

ClinVar aggregate classification (germline): Uncertain significance (1 of 4 stars; one submission).

Conditions:
RYR1-related disorder. Also called: RYR1-related condition; RYR1-related disorders. Identifiers: MedGen CN239331.

Submission:

Labcorp Genetics (formerly Invitae), Labcorp
Classification: Uncertain significance for RYR1-related disorder. Last evaluated: 2020-03-29. Review status: criteria provided, single submitter. Criteria: Invitae Variant Classification Sherloc (09022015). Collection method: clinical testing. Allele origin: germline.
Comment: This variant has not been reported in the literature in individuals with RYR1-related conditions. Algorithms developed to predict the effect of missense changes on protein structure and function are either unavailable or do not agree on the potential impact of this missense change (SIFT: "Deleterious"; PolyPhen-2: "Possibly Damaging"; Align-GVGD: "Class C0"). In summary, the available evidence is currently insufficient to determine the role of this variant in disease. Therefore, it has been classified as a Variant of Uncertain Significance. This variant is not present in population databases (ExAC no frequency). This sequence change replaces alanine with valine at codon 1029 of the RYR1 protein (p.Ala1029Val). The alanine residue is moderately conserved and there is a small physicochemical difference between alanine and valine.

NM_000540.3(RYR1):c.3086C>T (p.Ala1029Val)

Gene: RYR1 (ryanodine receptor 1; plus strand). Cytogenetic location: 19q13.2.
Variant type: single nucleotide variant.
Coding change: c.3086C>T on transcript NM_000540.3 (MANE Select); coding-DNA position 3086, C replaced by T.
Protein change: p.Ala1029Val; replaces alanine 1029 with valine.
Molecular consequence: missense variant.
Genome position (GRCh38, 1-based): chr19:38,466,306, C>T. VCF-style: chr19-38466306-C-T. GRCh37 (hg19) VCF-style: chr19-38956946-C-T.
Other names: c.3086C>T, p.Ala1029Val (NM_001042723.2); short protein forms A1029V.
Identifiers: ClinVar variation 1055016 (VCV001055016.9), dbSNP rs2145447314, ClinGen allele CA405635441.